The following is an entry in ClinVar:

ClinVar aggregate classification (germline): Uncertain significance (1 of 4 stars; one submission).

Allele frequency attached by ClinVar (database versions not stated): gnomAD exomes below 0.00001; ExAC 0.00001.
gnomAD v4.1: 3 of 1,555,280 alleles (0.00019%); highest among the groups gnomAD compares: South Asian, 0.0013%; no homozygotes.

Submission:

Labcorp Genetics (formerly Invitae), Labcorp
Classification: Uncertain significance. Last evaluated: 2022-10-31. Review status: criteria provided, single submitter. Criteria: Invitae Variant Classification Sherloc (09022015). Collection method: clinical testing. Allele origin: germline.
Comment: This variant is present in population databases (rs748740582, gnomAD 0.001%). In summary, the available evidence is currently insufficient to determine the role of this variant in disease. Therefore, it has been classified as a Variant of Uncertain Significance. Algorithms developed to predict the effect of missense changes on protein structure and function are either unavailable or do not agree on the potential impact of this missense change (SIFT: "Tolerated"; PolyPhen-2: "Probably Damaging"; Align-GVGD: "Class C0"). This variant has not been reported in the literature in individuals affected with DMXL2-related conditions. This sequence change replaces aspartic acid, which is acidic and polar, with glutamic acid, which is acidic and polar, at codon 2479 of the DMXL2 protein (p.Asp2479Glu).

NM_001378457.1(DMXL2):c.7437T>G (p.Asp2479Glu)

Gene: DMXL2 (Dmx like 2; minus strand). Cytogenetic location: 15q21.2.
Variant type: single nucleotide variant.
Coding change: c.7437T>G on transcript NM_001378457.1 (MANE Select); coding-DNA position 7437, T replaced by G.
Protein change: p.Asp2479Glu; replaces aspartic acid 2479 with glutamic acid.
Molecular consequence: missense variant. On other transcripts: non-coding transcript variant (2).
Genome position (GRCh38, 1-based): chr15:51,466,267, A>C on the plus strand (T>G on the coding strand, the complement: DMXL2 is on the minus strand). VCF-style: chr15-51466267-A-C. GRCh37 (hg19) VCF-style: chr15-51758464-A-C.
Other names: c.7437T>G, p.Asp2479Glu (NM_001174116.3, NM_001378459.1, NM_001378461.1 and 1 more transcripts); c.5526T>G, p.Asp1842Glu (NM_001174117.3); c.7434T>G, p.Asp2478Glu (NM_001378458.1, NM_001378462.1, NM_015263.5); c.5415T>G, p.Asp1805Glu (NM_001378460.1); c.7194T>G, p.Asp2398Glu (NM_001378464.1); short protein forms D2479E, D1805E, D2478E, D1842E, D2398E.
Identifiers: ClinVar variation 2096819 (VCV002096819.2), dbSNP rs748740582, ClinGen allele CA7561319.